The following is an entry in ClinVar:

NM_001277115.2(DNAH11):c.11865C>G (p.Asp3955Glu)

Gene: DNAH11 (dynein axonemal heavy chain 11; plus strand). Cytogenetic location: 7p15.3.
Variant type: single nucleotide variant.
Coding change: c.11865C>G on transcript NM_001277115.2 (MANE Select); coding-DNA position 11865, C replaced by G.
Protein change: p.Asp3955Glu; replaces aspartic acid 3955 with glutamic acid.
Molecular consequence: missense variant.
Genome position (GRCh38, 1-based): chr7:21,868,889, C>G. VCF-style: chr7-21868889-C-G. GRCh37 (hg19) VCF-style: chr7-21908507-C-G.
Other names: short protein forms D3955E.
Identifiers: ClinVar variation 3840818 (VCV003840818.1).

ClinVar aggregate classification (germline): Uncertain significance (1 of 4 stars; one submission).

Conditions:
Primary ciliary dyskinesia. Also called: Ciliary dyskinesia. Identifiers: Orphanet 244, MedGen C0008780, MONDO:0016575, HP:0012265.

gnomAD v4.1: 3 of 1,613,884 alleles (0.00019%); highest among the groups gnomAD compares: Admixed American, 0.0033%; no homozygotes.

Submission:

Ambry Genetics
Classification: Uncertain significance for Primary ciliary dyskinesia. Last evaluated: 2025-01-13. Review status: criteria provided, single submitter. Criteria: Ambry Variant Classification Scheme 2023. Collection method: clinical testing. Allele origin: germline.
Comment: The p.D3955E variant (also known as c.11865C>G), located in coding exon 73 of the DNAH11 gene, results from a C to G substitution at nucleotide position 11865. The aspartic acid at codon 3955 is replaced by glutamic acid, an amino acid with highly similar properties. This amino acid position is conserved. In addition, this alteration is predicted to be tolerated by in silico analysis. Based on the available evidence, the clinical significance of this variant remains unclear.